The following is an entry in ClinVar:

NM_004204.5(PIGQ):c.1106T>C (p.Ile369Thr)

Gene: PIGQ (phosphatidylinositol glycan anchor biosynthesis class Q; plus strand). Cytogenetic location: 16p13.3.
Variant type: single nucleotide variant.
Coding change: c.1106T>C on transcript NM_004204.5 (MANE Select); coding-DNA position 1106, T replaced by C.
Protein change: p.Ile369Thr; replaces isoleucine 369 with threonine.
Molecular consequence: missense variant.
Genome position (GRCh38, 1-based): chr16:578,821, T>C. VCF-style: chr16-578821-T-C. GRCh37 (hg19) VCF-style: chr16-628821-T-C.
Other names: c.1106T>C, p.Ile369Thr (NM_148920.4); short protein forms I369T.
Identifiers: ClinVar variation 1399102 (VCV001399102.5), dbSNP rs760367328, ClinGen allele CA7780122.

ClinVar aggregate classification (germline): Uncertain significance (1 of 4 stars; one submission).

Conditions:
Epilepsy. Also called: Seizure disorder. Identifiers: MedGen C0014544, MeSH D004827, MONDO:0005027.

Allele frequency attached by ClinVar (database versions not stated): gnomAD exomes below 0.00001 and 0.00001; ExAC 0.00002; gnomAD 0.00003; TOPMed 0.00007.
gnomAD v4.1: 7 of 1,613,652 alleles (0.00043%); highest among the groups gnomAD compares: African/African-American, 0.0093%; no homozygotes.

Submission:

Labcorp Genetics (formerly Invitae), Labcorp
Classification: Uncertain significance for Epilepsy. Last evaluated: 2022-05-30. Review status: criteria provided, single submitter. Criteria: Invitae Variant Classification Sherloc (09022015). Collection method: clinical testing. Allele origin: germline.
Comment: This sequence change replaces isoleucine, which is neutral and non-polar, with threonine, which is neutral and polar, at codon 369 of the PIGQ protein (p.Ile369Thr). This variant is present in population databases (rs760367328, gnomAD 0.02%). This variant has not been reported in the literature in individuals affected with PIGQ-related conditions. ClinVar contains an entry for this variant (Variation ID: 1399102). Algorithms developed to predict the effect of missense changes on protein structure and function are either unavailable or do not agree on the potential impact of this missense change (SIFT: "Deleterious"; PolyPhen-2: "Possibly Damaging"; Align-GVGD: "Class C0"). In summary, the available evidence is currently insufficient to determine the role of this variant in disease. Therefore, it has been classified as a Variant of Uncertain Significance.